The following is an entry in ClinVar:

NM_000448.3(RAG1):c.283G>A (p.Glu95Lys)

Gene: RAG1 (recombination activating 1; plus strand). Cytogenetic location: 11p12.
Variant type: single nucleotide variant.
Coding change: c.283G>A on transcript NM_000448.3 (MANE Select); coding-DNA position 283, G replaced by A.
Protein change: p.Glu95Lys; replaces glutamic acid 95 with lysine.
Molecular consequence: missense variant.
Genome position (GRCh38, 1-based): chr11:36,573,587, G>A. VCF-style: chr11-36573587-G-A. GRCh37 (hg19) VCF-style: chr11-36595137-G-A.
Other names: c.283G>A, p.Glu95Lys (NM_001377277.1, NM_001377278.1, NM_001377279.1 and 1 more transcripts); short protein forms E95K.
Identifiers: ClinVar variation 665785 (VCV000665785.9), dbSNP rs1343229886, ClinGen allele CA380146225.

ClinVar aggregate classification (germline): Uncertain significance. Review status: criteria provided, multiple submitters, no conflicts (2 of 4 stars). 2 submissions from 2 submitters: Uncertain significance (2). Last evaluated 2024-02-05.

Conditions:
Inborn genetic diseases. Identifiers: MedGen C0950123, MeSH D030342.
Combined immunodeficiency with skin granulomas. Identifiers: Orphanet 157949, MedGen C2673536, MONDO:0009306, OMIM 233650.
Severe combined immunodeficiency, autosomal recessive, T cell-negative, B cell-negative, NK cell-positive. Also called: SCID, AR, T-cell negative, B-cell negative, NK cell-positive; Severe combined immunodeficiency due to complete RAG1/2 deficiency; SCID, T CELL-NEGATIVE, B CELL-NEGATIVE, NK CELL-POSITIVE. Identifiers: Orphanet 331206, MedGen C1832322, MONDO:0011086, OMIM 601457.

Allele frequency attached by ClinVar (database versions not stated): gnomAD 0.00001; gnomAD exomes 0.00001; TOPMed 0.00002.
gnomAD v4.1: 41 of 1,614,044 alleles (0.0025%); highest among the groups gnomAD compares: Admixed American, 0.005%; no homozygotes.

Submissions (2):

Labcorp Genetics (formerly Invitae), Labcorp
Classification: Uncertain significance for Combined immunodeficiency with skin granulomas; Severe combined immunodeficiency, autosomal recessive, T cell-negative, B cell-negative, NK cell-positive. Last evaluated: 2024-02-05. Review status: criteria provided, single submitter. Criteria: Invitae Variant Classification Sherloc (09022015). Collection method: clinical testing. Allele origin: germline.
Comment: This sequence change replaces glutamic acid, which is acidic and polar, with lysine, which is basic and polar, at codon 95 of the RAG1 protein (p.Glu95Lys). This variant is present in population databases (no rsID available, gnomAD 0.003%). This variant has not been reported in the literature in individuals affected with RAG1-related conditions. ClinVar contains an entry for this variant (Variation ID: 665785). Advanced modeling of protein sequence and biophysical properties (such as structural, functional, and spatial information, amino acid conservation, physicochemical variation, residue mobility, and thermodynamic stability) performed at Invitae indicates that this missense variant is not expected to disrupt RAG1 protein function with a negative predictive value of 80%. In summary, the available evidence is currently insufficient to determine the role of this variant in disease. Therefore, it has been classified as a Variant of Uncertain Significance.

Ambry Genetics
Classification: Uncertain significance for Inborn genetic diseases. Last evaluated: 2023-03-17. Review status: criteria provided, single submitter. Criteria: Ambry Variant Classification Scheme 2023. Collection method: clinical testing. Allele origin: germline.